The following is an entry in ClinVar:

NM_000540.3(RYR1):c.2155C>T (p.His719Tyr)

Gene: RYR1 (ryanodine receptor 1; plus strand). Cytogenetic location: 19q13.2.
Variant type: single nucleotide variant.
Coding change: c.2155C>T on transcript NM_000540.3 (MANE Select); coding-DNA position 2155, C replaced by T.
Protein change: p.His719Tyr; replaces histidine 719 with tyrosine.
Molecular consequence: missense variant.
Genome position (GRCh38, 1-based): chr19:38,458,280, C>T. VCF-style: chr19-38458280-C-T. GRCh37 (hg19) VCF-style: chr19-38948920-C-T.
Other names: c.2155C>T, p.His719Tyr (NM_001042723.2); short protein forms H719Y.
Identifiers: ClinVar variation 3610487 (VCV003610487.2).

ClinVar aggregate classification (germline): Uncertain significance (1 of 4 stars; one submission).

Conditions:
RYR1-related disorder. Also called: RYR1-related condition; RYR1-related disorders. Identifiers: MedGen CN239331.

Submission:

Labcorp Genetics (formerly Invitae), Labcorp
Classification: Uncertain significance for RYR1-related disorder. Last evaluated: 2024-07-06. Review status: criteria provided, single submitter. Criteria: Invitae Variant Classification Sherloc (09022015). Collection method: clinical testing. Allele origin: germline.
Comment: This sequence change replaces histidine, which is basic and polar, with tyrosine, which is neutral and polar, at codon 719 of the RYR1 protein (p.His719Tyr). This variant is not present in population databases (gnomAD no frequency). This variant has not been reported in the literature in individuals affected with RYR1-related conditions. Advanced modeling of protein sequence and biophysical properties (such as structural, functional, and spatial information, amino acid conservation, physicochemical variation, residue mobility, and thermodynamic stability) performed at Invitae indicates that this missense variant is not expected to disrupt RYR1 protein function with a negative predictive value of 95%. In summary, the available evidence is currently insufficient to determine the role of this variant in disease. Therefore, it has been classified as a Variant of Uncertain Significance.